The following is an entry in ClinVar:

NM_014314.4(RIGI):c.888del (p.Phe296fs)

Gene: RIGI (RNA sensor RIG-I; minus strand). Cytogenetic location: 9p21.1.
Variant type: Deletion.
Coding change: c.888del on transcript NM_014314.4 (MANE Select); coding-DNA position 888, one base deleted (T; older notation c.888delT).
Protein change: p.Phe296fs; shifts the reading frame from phenylalanine 296.
Molecular consequence: frameshift variant.
Genome position (GRCh38, 1-based): chr9:32,488,799, A deleted on the plus strand (T on the coding strand, the reverse complement: RIGI is on the minus strand); the first of 6 consecutive A bases (chr9:32,488,799-32,488,804); deleting any one gives the same sequence. VCF-style (leftmost placement, unchanged base first): chr9-32488798-CA-C. GRCh37 (hg19) VCF-style: chr9-32488796-CA-C.
Other names: c.888del, p.Phe296fs (NM_001385907.1, NM_001385909.1); c.447del, p.Phe149fs (NM_001385910.1); c.279del, p.Phe93fs (NM_001385912.1); c.873del, p.Phe291fs (NM_001385913.1); c.444del, p.Phe148fs (NM_001385914.1); short protein forms F148fs, F149fs, F291fs, F93fs, F296fs.
Identifiers: ClinVar variation 1915533 (VCV001915533.5), dbSNP rs1824009661, ClinGen allele CA1122969653.

ClinVar aggregate classification (germline): Uncertain significance (1 of 4 stars; one submission).

Submission:

Labcorp Genetics (formerly Invitae), Labcorp
Classification: Uncertain significance. Last evaluated: 2022-10-24. Review status: criteria provided, single submitter. Criteria: Invitae Variant Classification Sherloc (09022015). Collection method: clinical testing. Allele origin: germline.
Comment: This sequence change creates a premature translational stop signal (p.Phe296Leufs*51) in the DDX58 gene. It is expected to result in an absent or disrupted protein product. However, the current clinical and genetic evidence is not sufficient to establish whether loss-of-function variants in DDX58 cause disease. This variant is not present in population databases (gnomAD no frequency). This variant has not been reported in the literature in individuals affected with DDX58-related conditions. In summary, the available evidence is currently insufficient to determine the role of this variant in disease. Therefore, it has been classified as a Variant of Uncertain Significance.